The following is an entry in ClinVar:

NM_014727.3(KMT2B):c.1478C>G (p.Ser493Cys)

Gene: KMT2B (lysine methyltransferase 2B; plus strand). Cytogenetic location: 19q13.12.
Variant type: single nucleotide variant.
Coding change: c.1478C>G on transcript NM_014727.3 (MANE Select); coding-DNA position 1478, C replaced by G.
Protein change: p.Ser493Cys; replaces serine 493 with cysteine.
Molecular consequence: missense variant.
Genome position (GRCh38, 1-based): chr19:35,720,825, C>G. VCF-style: chr19-35720825-C-G. GRCh37 (hg19) VCF-style: chr19-36211727-C-G.
Other names: short protein forms S493C.
Identifiers: ClinVar variation 3019569 (VCV003019569.3), dbSNP rs757068223, ClinGen allele CA9384231.
Genomic context (GRCh38, chr19:35,720,825, plus strand): 5'-CCCTGACTCCCAGCCAGCGGGCGGAGCGGGAAGCTGCTCGGGCAGGGCCAGAGGGCACCT[C>G]TCCTCCCACTCCAACCCCCAGCACCGCCACGGGAGGCCCTCCGGAAGACAGTCCCACCGT-3'
Protein context (NP_055542.1, residues 483-503): EAARAGPEGT[Ser493Cys]PPTPTPSTAT

ClinVar aggregate classification (germline): Uncertain significance (1 of 4 stars; one submission).

Allele frequency attached by ClinVar (database versions not stated): ExAC 0.00010; gnomAD exomes below 0.00001.

Submission:

Labcorp Genetics (formerly Invitae), Labcorp
Classification: Uncertain significance. Last evaluated: 2025-07-28. Review status: criteria provided, single submitter. Criteria: Invitae Variant Classification Sherloc (09022015). Collection method: clinical testing. Allele origin: germline.
Comment: This sequence change replaces serine, which is neutral and polar, with cysteine, which is neutral and slightly polar, at codon 493 of the KMT2B protein (p.Ser493Cys). This variant is present in population databases (rs757068223, gnomAD 0.004%). This variant has not been reported in the literature in individuals affected with KMT2B-related conditions. ClinVar contains an entry for this variant (Variation ID: 3019569). Invitae Evidence Modeling of protein sequence and biophysical properties (such as structural, functional, and spatial information, amino acid conservation, physicochemical variation, residue mobility, and thermodynamic stability) indicates that this missense variant is not expected to disrupt KMT2B protein function with a negative predictive value of 80%. In summary, the available evidence is currently insufficient to determine the role of this variant in disease. Therefore, it has been classified as a Variant of Uncertain Significance.